The following is an entry in ClinVar:

NM_001386140.1(MTTP):c.222_223delinsACTGTCTCTT (p.Asp75fs)

Gene: MTTP (microsomal triglyceride transfer protein; plus strand). Cytogenetic location: 4q23.
Variant type: Indel.
Coding change: c.222_223delinsACTGTCTCTT on transcript NM_001386140.1 (MANE Select); coding-DNA positions 222 to 223, TG replaced by ACTGTCTCTT.
Protein change: p.Asp75fs; shifts the reading frame from aspartic acid 75.
Molecular consequence: frameshift variant. On other transcripts: 5 prime UTR variant (1).
Genome position (GRCh38, 1-based): chr4:99,582,065-99,582,066, TG replaced by ACTGTCTCTT. VCF-style: chr4-99582065-TG-ACTGTCTCTT. GRCh37 (hg19) VCF-style: chr4-100503222-TG-ACTGTCTCTT.
Other names: c.222_223delinsACTGTCTCTT, p.Asp75fs (NM_000253.4); c.-28_-27delinsACTGTCTCTT (NM_001300785.2); short protein forms D75fs.
Identifiers: ClinVar variation 5011036 (VCV005011036.1).

ClinVar aggregate classification (germline): Pathogenic (1 of 4 stars; one submission).

Conditions:
Abetalipoproteinaemia (ABL). Also called: MTP DEFICIENCY; Abetalipoproteinemia; Abetalipoproteinemia neuropathy; Apolipoprotein B deficiency; Congenital betalipoprotein deficiency syndrome. Identifiers: Orphanet 14, MedGen C0000744, MONDO:0008692, OMIM 200100, HP:0008181.

Submission:

Myriad Genetics, Inc.
Classification: Pathogenic for Abetalipoproteinaemia. Last evaluated: 2024-05-14. Review status: criteria provided, single submitter. Criteria: Myriad Autosomal Dominant, Autosomal Recessive and X-Linked Classification Criteria (2023). Collection method: clinical testing. Allele origin: unknown.
Comment: NM_000253.2(MTTP):c.222_223del2ins10(D75Lfs*8) is expected to be pathogenic in the context of abetalipoproteinemia. This variant is predicted to lead to an abnormal or absent protein product due to the creation of a premature termination codon in MTTP, a gene where loss-of-function variants are known to be pathogenic. Please note: this variant was assessed in the context of healthy population screening.